The following is an entry in ClinVar:

ClinVar aggregate classification (germline): Likely benign (1 of 4 stars; one submission).

Submission:

CeGaT Center for Human Genetics Tuebingen
Classification: Likely benign. Last evaluated: 2024-03-01. Review status: criteria provided, single submitter. Criteria: CeGaT Center For Human Genetics Tuebingen Variant Classification Criteria Version 2. Collection method: clinical testing. Allele origin: germline. Affected: yes. Observed: 1 variant allele.
Comment: ZNF665: BP4, BP7

NM_024733.5(ZNF665):c.1368G>A (p.Lys456=)

Gene: ZNF665 (zinc finger protein 665; minus strand). Cytogenetic location: 19q13.42.
Variant type: single nucleotide variant.
Coding change: c.1368G>A on transcript NM_024733.5 (MANE Select); coding-DNA position 1368, G replaced by A.
Protein change: p.Lys456=; no amino-acid change (lysine 456 retained).
Molecular consequence: synonymous variant.
Genome position (GRCh38, 1-based): chr19:53,165,122, C>T on the plus strand (G>A on the coding strand, the complement: ZNF665 is on the minus strand). VCF-style: chr19-53165122-C-T. GRCh37 (hg19) VCF-style: chr19-53668375-C-T.
Other names: c.1362G>A, p.Lys454= (NM_001353457.2); c.1452G>A, p.Lys484= (NM_001353458.2); c.1368G>A, p.Lys456= (NM_001353459.2).
Identifiers: ClinVar variation 3025154 (VCV003025154.22), dbSNP rs2090597808, ClinGen allele CA508845411.